The following is an entry in ClinVar:

ClinVar aggregate classification (germline): Benign (1 of 4 stars; one submission).

Allele frequency attached by ClinVar (database versions not stated): 1000 Genomes Project 0.00160; 1000 Genomes Project 30x 0.00187; gnomAD exomes 0.00990.

Submission:

CeGaT Center for Human Genetics Tuebingen
Classification: Benign. Last evaluated: 2022-05-01. Review status: criteria provided, single submitter. Criteria: CeGaT Center For Human Genetics Tuebingen Variant Classification Criteria Version 2. Collection method: clinical testing. Allele origin: germline. Affected: yes. Observed: 2 variant alleles.
Comment: COL1A1: BS1, BS2

NC_000017.11:g.50183779T>A

Gene: COL1A1 (collagen type I alpha 1 chain; minus strand). Cytogenetic location: 17q21.33.
Variant type: single nucleotide variant.
Genome position: GRCh38 VCF-style: chr17-50183779-T-A. GRCh37 (hg19) VCF-style: chr17-48261140-T-A.
Identifiers: ClinVar variation 2647892 (VCV002647892.22), dbSNP rs183617064, ClinGen allele CA291542545.
Genomic context (GRCh38, chr17:50,183,779, plus strand): 5'-GCCACCAAGTGCAGGGCATCCAGGGGGTGGAGAGTGGATGGGCTTGAAGGGGAGTGGGTA[T>A]GAGGTTTGGACAACCCCAGATGTGAAGAGTGTGTGTGTGTGTTGTGCACGTGGATTGCCT-3'